The following is an entry in ClinVar:

NM_007294.4(BRCA1):c.5201T>C (p.Phe1734Ser)

Gene: BRCA1 (BRCA1 DNA repair associated; minus strand). Cytogenetic location: 17q21.31.
Variant type: single nucleotide variant.
Coding change: c.5201T>C on transcript NM_007294.4 (MANE Select); coding-DNA position 5201, T replaced by C.
Protein change: p.Phe1734Ser; replaces phenylalanine 1734 with serine.
Molecular consequence: missense variant. On other transcripts: non-coding transcript variant (1).
Genome position (GRCh38, 1-based): chr17:43,057,128, A>G on the plus strand (T>C on the coding strand, the complement: BRCA1 is on the minus strand). VCF-style: chr17-43057128-A-G. GRCh37 (hg19) VCF-style: chr17-41209145-A-G.
Other names: c.5054T>C, p.Phe1685Ser (NM_001407839.1, NM_001407841.1, NM_001407842.1 and 12 more transcripts); c.4991T>C, p.Phe1664Ser (NM_001407882.1, NM_001407884.1, NM_001407885.1 and 5 more transcripts); c.4988T>C, p.Phe1663Ser (NM_001407902.1, NM_001407904.1, NM_001407906.1 and 12 more transcripts); c.4985T>C, p.Phe1662Ser (NM_001407915.1, NM_001407916.1, NM_001407917.1 and 1 more transcripts); c.4934T>C, p.Phe1645Ser (NM_001407927.1, NM_001407928.1, NM_001407929.1 and 4 more transcripts); c.4931T>C, p.Phe1644Ser (NM_001407934.1, NM_001407935.1, NM_001407936.1); c.4868T>C, p.Phe1623Ser (NM_001407946.1, NM_001407947.1, NM_001407948.1 and 1 more transcripts); c.4865T>C, p.Phe1622Ser (NM_001407950.1, NM_001407951.1, NM_001407952.1 and 3 more transcripts); and 72 more; short protein forms F1734S, F1755S, F1687S, F630S, F1438S, F1607S, F1623S, F1644S.
Identifiers: ClinVar variation 55454 (VCV000055454.5), dbSNP rs397509237, ClinGen allele CA003352.

ClinVar aggregate classification (germline): Pathogenic. Review status: criteria provided, single submitter (1 of 4 stars). 2 submissions from 2 submitters: Pathogenic (1). 1 of the submissions does not count toward it. Last evaluated 2025-09-08.

Conditions:
Hereditary cancer-predisposing syndrome. Also called: Hereditary Cancer Syndrome; Hereditary neoplastic syndrome; Neoplastic Syndromes, Hereditary; Tumor predisposition. Identifiers: Orphanet 140162, MedGen C0027672, MeSH D009386, MONDO:0015356.
Familial cancer of breast. Also called: hereditary breast carcinoma; BREAST CANCER, FAMILIAL; Hereditary breast cancer. Identifiers: Orphanet 227535, MedGen C0346153, MONDO:0016419, OMIM 114480. Disease mechanism: loss of function.

Submissions (3):

Ambry Genetics
Classification: Pathogenic for Hereditary cancer-predisposing syndrome. Last evaluated: 2025-09-08. Review status: criteria provided, single submitter. Criteria: Ambry Variant Classification Scheme 2023. Collection method: clinical testing. Allele origin: germline.
Comment: The p.F1734S pathogenic mutation (also known as c.5201T>C), located in coding exon 18 of the BRCA1 gene, results from a T to C substitution at nucleotide position 5201. The phenylalanine at codon 1734 is replaced by serine, an amino acid with highly dissimilar properties. One functional study found that this nucleotide substitution is non-functional in a high throughput genome editing haploid cell survival assay (Findlay GM et al. Nature, 2018 Oct;562:217-222). Other variants at the same codon, p.F1734L (c.5202T>G) and p.F1734I (c.5200T>A), have also been found to be non-functional in a high-throughput, genome editing, haploid cell survival assay (Findlay GM et al. Nature, 2018 10;562:217-222). This amino acid position is highly conserved in available vertebrate species. In addition, this alteration is predicted to be deleterious by in silico analysis. This variant is considered to be rare based on population cohorts in the Genome Aggregation Database (gnomAD). Based on the supporting evidence, this variant is interpreted as a disease-causing mutation.

Brotman Baty Institute, University of Washington
No classification provided (evidence only). Condition: Breast-ovarian cancer, familial 1. Review status: no classification provided. Collection method: in vitro. Allele origin: not applicable. Functional consequence: functionally_abnormal. Not counted in ClinVar's aggregate classification.
ClinVar note: "not provided" was previously submitted as the classification for the variant. However, the classification appeared to be based only on an observation of functional data so it was converted to no classification on 2025-07-30.

ClinVar Staff, National Center for Biotechnology Information (NCBI)
No classification provided. Condition: Familial cancer of breast. Review status: no classification provided. Collection method: literature only. Allele origin: germline. Affected: yes. Not counted in ClinVar's aggregate classification.

Literature cited by the submitters: PubMed 30209399 (cited by Ambry Genetics); PubMed 12497638 (cited by ClinVar Staff, National Center for Biotechnology Information (NCBI)).